The following is an entry in ClinVar:

NM_007194.4(CHEK2):c.654T>C (p.Asp218=)

Gene: CHEK2 (checkpoint kinase 2; minus strand). Cytogenetic location: 22q12.1.
Variant type: single nucleotide variant.
Coding change: c.654T>C on transcript NM_007194.4 (MANE Select); coding-DNA position 654, T replaced by C.
Protein change: p.Asp218=; no amino-acid change (aspartic acid 218 retained).
Molecular consequence: synonymous variant. On other transcripts: 5 prime UTR variant (2), intron variant (1).
Genome position (GRCh38, 1-based): chr22:28,719,424, A>G on the plus strand (T>C on the coding strand, the complement: CHEK2 is on the minus strand). VCF-style: chr22-28719424-A-G. GRCh37 (hg19) VCF-style: chr22-29115412-A-G.
Other names: c.783T>C, p.Asp261= (NM_001005735.3, NM_001438294.1); c.-10T>C (NM_001257387.3, NM_001437942.1); c.747T>C, p.Asp249= (NM_001438293.1, NM_001438295.1); c.654T>C, p.Asp218= (NM_145862.3); c.482+5462T>C (NM_001349956.3).
Identifiers: ClinVar variation 491627 (VCV000491627.16), dbSNP rs907621837, ClinGen allele CA513945245.

ClinVar aggregate classification (germline): Benign/Likely benign. Review status: criteria provided, multiple submitters, no conflicts (2 of 4 stars). 5 submissions from 5 submitters: Benign (1); Likely benign (4). Last evaluated 2024-10-03.

Conditions:
Hereditary cancer-predisposing syndrome. Also called: Hereditary neoplastic syndrome; Tumor predisposition; Hereditary Cancer Syndrome; Neoplastic Syndromes, Hereditary. Identifiers: Orphanet 140162, MedGen C0027672, MeSH D009386, MONDO:0015356.
Familial cancer of breast. Also called: Hereditary breast cancer; hereditary breast carcinoma; BREAST CANCER, FAMILIAL. Identifiers: Orphanet 227535, MedGen C0346153, MONDO:0016419, OMIM 114480. Disease mechanism: loss of function.

Allele frequency attached by ClinVar (database versions not stated): gnomAD exomes below 0.00001.
gnomAD v4.1: 2 of 1,595,282 alleles (0.00013%); highest among the groups gnomAD compares: Non-Finnish European, 0.00017%; no homozygotes.

Submissions (5):

Myriad Genetics, Inc.
Classification: Benign for Familial cancer of breast. Last evaluated: 2024-10-03. Review status: criteria provided, single submitter. Criteria: Myriad Autosomal Dominant, Autosomal Recessive and X-Linked Classification Criteria (2023). Collection method: clinical testing. Allele origin: unknown.
Comment: This variant is considered benign. This variant is a silent/synonymous amino acid change and it is not expected to impact splicing.

Ambry Genetics
Classification: Likely benign for Hereditary cancer-predisposing syndrome. Last evaluated: 2024-03-11. Review status: criteria provided, single submitter. Criteria: Ambry Variant Classification Scheme 2023. Collection method: clinical testing. Allele origin: germline.

Labcorp Genetics (formerly Invitae), Labcorp
Classification: Likely benign for Familial cancer of breast. Last evaluated: 2018-03-23. Review status: criteria provided, single submitter. Criteria: Invitae Variant Classification Sherloc (09022015). Collection method: clinical testing. Allele origin: germline.

Color Diagnostics, LLC DBA Color Health
Classification: Likely benign for Hereditary cancer-predisposing syndrome. Last evaluated: 2017-09-12. Review status: criteria provided, single submitter. Criteria: ACMG Guidelines, 2015. Collection method: clinical testing. Allele origin: germline.

GeneDx
Classification: Likely benign. Last evaluated: 2017-06-16. Review status: criteria provided, single submitter. Criteria: GeneDx Variant Classification (06012015). Collection method: clinical testing. Allele origin: germline. Affected: yes.
Comment: This variant is considered likely benign or benign based on one or more of the following criteria: it is a conservative change, it occurs at a poorly conserved position in the protein, it is predicted to be benign by multiple in silico algorithms, and/or has population frequency not consistent with disease.